The following is an entry in ClinVar:

NM_001142966.3(GREB1L):c.2891C>T (p.Ser964Leu)

Gene: GREB1L (GREB1 like retinoic acid receptor coactivator; plus strand). Cytogenetic location: 18q11.1.
Variant type: single nucleotide variant.
Coding change: c.2891C>T on transcript NM_001142966.3 (MANE Select); coding-DNA position 2891, C replaced by T.
Protein change: p.Ser964Leu; replaces serine 964 with leucine.
Molecular consequence: missense variant.
Genome position (GRCh38, 1-based): chr18:21,490,212, C>T. VCF-style: chr18-21490212-C-T. GRCh37 (hg19) VCF-style: chr18-19070173-C-T.
Other names: p.Ser964Leu; c.2891C>T (NM_001142966.2); short protein forms S964L.
Identifiers: ClinVar variation 783799 (VCV000783799.11), dbSNP rs78065399, ClinGen allele CA8906532.

ClinVar aggregate classification (germline): Benign/Likely benign. Review status: criteria provided, multiple submitters, no conflicts (2 of 4 stars). 3 submissions from 3 submitters: Benign (1); Likely benign (2). Last evaluated 2026-01-27.

Allele frequency attached by ClinVar (database versions not stated): gnomAD exomes 0.00044 and 0.00091; ExAC 0.00188; gnomAD 0.00432 and 0.00457; TOPMed 0.00486; 1000 Genomes Project 30x 0.00578; 1000 Genomes Project 0.00579; ESP Exome Variant Server 0.00657.
gnomAD v4.1: 1,308 of 1,551,742 alleles (0.084%); highest among the groups gnomAD compares: African/African-American, 1.6%; 14 homozygotes.

Submissions (3):

Labcorp Genetics (formerly Invitae), Labcorp
Classification: Benign. Last evaluated: 2026-01-27. Review status: criteria provided, single submitter. Criteria: Invitae Variant Classification Sherloc (09022015). Collection method: clinical testing. Allele origin: germline.

Mayo Clinic Laboratories, Mayo Clinic
Classification: Likely benign. Last evaluated: 2025-09-27. Review status: criteria provided, single submitter. Criteria: ACMG Guidelines, 2015. Collection method: clinical testing. Allele origin: germline. Observed: 2 variant alleles.
Comment: BS1

Blueprint Genetics
Classification: Likely benign. Last evaluated: 2024-10-02. Review status: criteria provided, single submitter. Criteria: ACMG Guidelines, 2015. Collection method: clinical testing. Allele origin: germline.